The following is an entry in ClinVar:

ClinVar aggregate classification (germline): Conflicting classifications of pathogenicity. Review status: criteria provided, conflicting classifications (1 of 4 stars). 3 submissions from 3 submitters: Likely pathogenic (1); Uncertain significance (2). Last evaluated 2026-09-21.

Conditions:
Cardiovascular phenotype. Identifiers: MedGen CN230736.

Submissions (3):

Molecular Diagnostic Laboratory for Inherited Cardiovascular Disease, Montreal Heart Institute
Classification: Uncertain significance for Cardiovascular phenotype. Last evaluated: 2026-09-21. Review status: criteria provided, single submitter. Criteria: ACMG Guidelines, 2015. Collection method: clinical testing. Allele origin: germline. Affected: yes.
Comment: PM2, PP3

Blueprint Genetics
Classification: Uncertain significance. Last evaluated: 2023-03-27. Review status: criteria provided, single submitter. Criteria: ACMG Guidelines, 2015. Collection method: clinical testing. Allele origin: germline.

GeneDx
Classification: Likely pathogenic. Last evaluated: 2014-03-15. Review status: criteria provided, single submitter. Criteria: GeneDx Variant Classification (06012015). Collection method: clinical testing. Allele origin: germline. Affected: yes.
Comment: p.Pro775Arg (CCT>CGT): c.2324 C>G in exon 24 of the MYBPC3 gene (NM_000256.3) The P775R variant that is likely pathogenic was identified in the MYBPC3 gene. It has not been published as a mutation or as a benign polymorphism to our knowledge. The P775R variant was not observed in approximately 6,000 individuals of European and African American ancestry in the NHLBI Exome Sequencing Project, indicating it is not a common benign variant in these populations. The P775R variant is a non-conservative amino acid substitution, which is likely to impact secondary protein structure as these residues differ in polarity, charge, size and/or other properties. This substitution occurs at a position that is conserved across species. In silico analysis predicts this variant is probably damaging to the protein structure/function. Missense mutations in nearby residues (D770N, V771A, V771M, A774T) have been reported in association with HCM, supporting the functional importance of this region of the protein.Therefore, this variant is a strong candidate for a pathogenic mutation, however the possibility that it is a benign variant cannot be excluded. Mutations in the MYBPC3 gene have been reported in 20%-30% of patients with autosomal dominant familial hypertrophic cardiomyopathy, and have been reported less frequently in patients with autosomal dominant familial dilated cardiomyopathy (Cirino A et al., 2011;Hershberger R et al., 2009). The variant is found in HCM panel(s).

NM_000256.3(MYBPC3):c.2324C>G (p.Pro775Arg)

Gene: MYBPC3 (myosin binding protein C3; minus strand). Cytogenetic location: 11p11.2.
Variant type: single nucleotide variant.
Coding change: c.2324C>G on transcript NM_000256.3 (MANE Select); coding-DNA position 2324, C replaced by G.
Protein change: p.Pro775Arg; replaces proline 775 with arginine.
Molecular consequence: missense variant.
Genome position (GRCh38, 1-based): chr11:47,337,779, G>C on the plus strand (C>G on the coding strand, the complement: MYBPC3 is on the minus strand). VCF-style: chr11-47337779-G-C. GRCh37 (hg19) VCF-style: chr11-47359330-G-C.
Other names: p.P775R:CCT>CGT; c.2324C>G, p.Pro775Arg (LRG_386t1); short protein forms P775R.
Identifiers: ClinVar variation 180967 (VCV000180967.4), dbSNP rs730880564, ClinGen allele CA012122.